The following is an entry in ClinVar:

ClinVar aggregate classification (germline): Uncertain significance (1 of 4 stars; one submission).

Conditions:
Familial hemophagocytic lymphohistiocytosis 5. Also called: STXBP2-Related Familial Hemophagocytic Lymphohistiocytosis (STXBP2-fHLH). Identifiers: Orphanet 540, MedGen C2751293, MONDO:0013135, OMIM 613101.

Allele frequency attached by ClinVar (database versions not stated): TOPMed 0.00002.
gnomAD v4.1: 16 of 1,611,604 alleles (0.00099%); highest among the groups gnomAD compares: Admixed American, 0.005%; no homozygotes.

Submission:

Labcorp Genetics (formerly Invitae), Labcorp
Classification: Uncertain significance for Familial hemophagocytic lymphohistiocytosis 5. Last evaluated: 2022-08-22. Review status: criteria provided, single submitter. Criteria: Invitae Variant Classification Sherloc (09022015). Collection method: clinical testing. Allele origin: germline.
Comment: This sequence change replaces threonine, which is neutral and polar, with methionine, which is neutral and non-polar, at codon 505 of the STXBP2 protein (p.Thr505Met). This variant is present in population databases (rs375024471, gnomAD 0.007%). This variant has not been reported in the literature in individuals affected with STXBP2-related conditions. ClinVar contains an entry for this variant (Variation ID: 1043772). Algorithms developed to predict the effect of missense changes on protein structure and function output the following: SIFT: "Deleterious"; PolyPhen-2: "Benign"; Align-GVGD: "Class C0". The methionine amino acid residue is found in multiple mammalian species, which suggests that this missense change does not adversely affect protein function. In summary, the available evidence is currently insufficient to determine the role of this variant in disease. Therefore, it has been classified as a Variant of Uncertain Significance.

NM_006949.4(STXBP2):c.1514C>T (p.Thr505Met)

Gene: STXBP2 (syntaxin binding protein 2; plus strand). Cytogenetic location: 19p13.2.
Variant type: single nucleotide variant.
Coding change: c.1514C>T on transcript NM_006949.4 (MANE Select); coding-DNA position 1514, C replaced by T.
Protein change: p.Thr505Met; replaces threonine 505 with methionine.
Molecular consequence: missense variant. On other transcripts: non-coding transcript variant (1).
Genome position (GRCh38, 1-based): chr19:7,647,223, C>T. VCF-style: chr19-7647223-C-T. GRCh37 (hg19) VCF-style: chr19-7712109-C-T.
Other names: c.1505C>T, p.Thr502Met (NM_001127396.3); c.1547C>T, p.Thr516Met (NM_001272034.2); short protein forms T505M, T502M, T516M.
Identifiers: ClinVar variation 1043772 (VCV001043772.4), dbSNP rs375024471, ClinGen allele CA9144212.